The following is an entry in ClinVar:

ClinVar aggregate classification (germline): Uncertain significance (1 of 4 stars; one submission).

Conditions:
Developmental and epileptic encephalopathy, 36 (DEE36). Also called: ALG13-CDG; Epileptic encephalopathy, early infantile, 36; Congenital disorder of glycosylation, type Is. Identifiers: Orphanet 324422, MedGen C4317295, MONDO:0010472, OMIM 300884.

gnomAD v4.1: 1 of 1,211,065 alleles (0.000083%); highest among the groups gnomAD compares: Admixed American, 0.0022%; no homozygotes.

Submission:

Labcorp Genetics (formerly Invitae), Labcorp
Classification: Uncertain significance for Developmental and epileptic encephalopathy, 36. Last evaluated: 2025-06-29. Review status: criteria provided, single submitter. Criteria: Invitae Variant Classification Sherloc (09022015). Collection method: clinical testing. Allele origin: germline.
Comment: This sequence change replaces glycine, which is neutral and non-polar, with arginine, which is basic and polar, at codon 753 of the ALG13 protein (p.Gly753Arg). This variant is present in population databases (rs769111546, gnomAD 0.004%). This variant has not been reported in the literature in individuals affected with ALG13-related conditions. Invitae Evidence Modeling of protein sequence and biophysical properties (such as structural, functional, and spatial information, amino acid conservation, physicochemical variation, residue mobility, and thermodynamic stability) indicates that this missense variant is not expected to disrupt ALG13 protein function with a negative predictive value of 95%. In summary, the available evidence is currently insufficient to determine the role of this variant in disease. Therefore, it has been classified as a Variant of Uncertain Significance.

NM_001099922.3(ALG13):c.2257G>C (p.Gly753Arg)

Gene: ALG13 (ALG13 UDP-N-acetylglucosaminyltransferase subunit; plus strand). Cytogenetic location: Xq23.
Variant type: single nucleotide variant.
Coding change: c.2257G>C on transcript NM_001099922.3 (MANE Select); coding-DNA position 2257, G replaced by C.
Protein change: p.Gly753Arg; replaces glycine 753 with arginine.
Molecular consequence: missense variant. On other transcripts: non-coding transcript variant (1).
Genome position (GRCh38, 1-based): chrX:111,728,194, G>C. VCF-style: chrX-111728194-G-C. GRCh37 (hg19) VCF-style: chrX-110971422-G-C.
Other names: c.1945G>C, p.Gly649Arg (NM_001257230.2, NM_001257234.2, NM_001257237.2); c.2023G>C, p.Gly675Arg (NM_001257231.2); c.2257G>C, p.Gly753Arg (NM_001324292.2); c.1771G>C, p.Gly591Arg (NM_001324293.1); short protein forms G753R, G649R, G675R, G591R.
Identifiers: ClinVar variation 4747431 (VCV004747431.1).